The following is an entry in ClinVar:

ClinVar aggregate classification (germline): Uncertain significance. Review status: criteria provided, multiple submitters, no conflicts (2 of 4 stars). 9 submissions from 9 submitters: Uncertain significance (9). Last evaluated 2025-11-04.

Conditions:
Hereditary cancer-predisposing syndrome. Also called: Neoplastic Syndromes, Hereditary; Hereditary Cancer Syndrome; Hereditary neoplastic syndrome; Tumor predisposition. Identifiers: Orphanet 140162, MedGen C0027672, MeSH D009386, MONDO:0015356.
Familial cancer of breast. Also called: BREAST CANCER, FAMILIAL; Hereditary breast cancer; hereditary breast carcinoma. Identifiers: Orphanet 227535, MedGen C0346153, MONDO:0016419, OMIM 114480. Disease mechanism: loss of function.
Familial pancreatic carcinoma. Identifiers: Orphanet 1333, MedGen C2931038, MONDO:0015278, OMIM 260350.

Allele frequency attached by ClinVar (database versions not stated): gnomAD 0.00001.
gnomAD v4.1: 2 of 1,608,338 alleles (0.00012%); no homozygotes.

Submissions (9):

Labcorp Genetics (formerly Invitae), Labcorp
Classification: Uncertain significance for Familial cancer of breast. Last evaluated: 2025-11-04. Review status: criteria provided, single submitter. Criteria: Invitae Variant Classification Sherloc (09022015). Collection method: clinical testing. Allele origin: germline.
Comment: This sequence change replaces asparagine, which is neutral and polar, with tyrosine, which is neutral and polar, at codon 930 of the PALB2 protein (p.Asn930Tyr). This variant is present in population databases (no rsID available, gnomAD no frequency). This variant has not been reported in the literature in individuals affected with PALB2-related conditions. ClinVar contains an entry for this variant (Variation ID: 460960). Invitae Evidence Modeling of protein sequence and biophysical properties (such as structural, functional, and spatial information, amino acid conservation, physicochemical variation, residue mobility, and thermodynamic stability) indicates that this missense variant is expected to disrupt PALB2 protein function with a positive predictive value of 80%. In summary, the available evidence is currently insufficient to determine the role of this variant in disease. Therefore, it has been classified as a Variant of Uncertain Significance.

Ambry Genetics
Classification: Uncertain significance for Hereditary cancer-predisposing syndrome. Last evaluated: 2025-05-29. Review status: criteria provided, single submitter. Criteria: Ambry Variant Classification Scheme 2023. Collection method: clinical testing. Allele origin: germline.
Comment: The p.N930Y variant (also known as c.2788A>T), located in coding exon 8 of the PALB2 gene, results from an A to T substitution at nucleotide position 2788. The asparagine at codon 930 is replaced by tyrosine, an amino acid with dissimilar properties. This amino acid position is well conserved in available vertebrate species. In addition, this alteration is predicted to be tolerated by in silico analysis. Based on the available evidence, the clinical significance of this variant remains unclear.

Color Diagnostics, LLC DBA Color Health
Classification: Uncertain significance for Hereditary cancer-predisposing syndrome. Last evaluated: 2024-12-17. Review status: criteria provided, single submitter. Criteria: ACMG Guidelines, 2015. Collection method: clinical testing. Allele origin: germline.
Comment: This missense variant replaces asparagine with tyrosine at codon 930 of the PALB2 protein. Computational prediction suggests that this variant may not impact protein structure and function. To our knowledge, functional studies have not been reported for this variant. This variant has not been reported in individuals affected with hereditary cancer in the literature. This variant has been identified in 1/31400 chromosomes in the general population by the Genome Aggregation Database (gnomAD). The available evidence is insufficient to determine the role of this variant in disease conclusively. Therefore, this variant is classified as a Variant of Uncertain Significance.

Department of Pathology and Laboratory Medicine, Sinai Health System
Classification: Uncertain significance for Familial pancreatic carcinoma. Last evaluated: 2024-10-15. Review status: criteria provided, single submitter. Criteria: ACMG Guidelines, 2015. Collection method: clinical testing. Allele origin: germline. Affected: yes.

ARUP Laboratories, Molecular Genetics and Genomics, ARUP Laboratories
Classification: Uncertain significance. Last evaluated: 2024-02-23. Review status: criteria provided, single submitter. Criteria: ARUP Molecular Germline Variant Investigation Process 2024. Collection method: clinical testing. Allele origin: germline.
Comment: The PALB2 c.2788A>T; p.Asn930Tyr variant (rs1227325413), to our knowledge, is not reported in the medical literature but is reported in ClinVar (Variation ID: 460960). This variant is only observed on one allele in the Genome Aggregation Database (v2.1.1), indicating it is not a common polymorphism. Computational analyses are uncertain whether this variant is neutral or deleterious (REVEL: 0.22). Due to limited information, the clinical significance of this variant is uncertain at this time.

Quest Diagnostics Nichols Institute San Juan Capistrano
Classification: Uncertain significance. Last evaluated: 2022-11-18. Review status: criteria provided, single submitter. Criteria: Quest Diagnostics criteria. Collection method: clinical testing. Allele origin: unknown.
Comment: The variant has not been reported in the published literature. The frequency of this variant in the general population, 0.000032 (1/31400 chromosomes), is uninformative in assessment of its pathogenicity. Analysis of this variant using bioinformatics tools for the prediction of the effect of amino acid changes on protein structure and function yielded conflicting predictions that this variant is benign or damaging. Based on the available information, we are unable to determine the clinical significance of this variant.

Sema4
Classification: Uncertain significance for Hereditary cancer-predisposing syndrome. Last evaluated: 2021-11-23. Review status: criteria provided, single submitter. Criteria: Sema4 Curation Guidelines. Collection method: curation. Allele origin: germline.
Comment: The PALB2 c.2788A>T (p.N930Y) variant has not been reported in the literature to our knowledge. It was observed in 1/31400 chromosomes in the large and broad cohorts of the Genome Aggregation Database (PMID: 32461654). The variant has been reported in ClinVar (Variation ID: 460960). Functional studies have not been performed, and in silico predictions of the variant's effect on protein function are inconclusive. The evidence is insufficient to meet ACMG/AMP criteria for classifying the variant as benign or pathogenic. Thus, the clinical significance of this variant is currently uncertain.

GeneDx
Classification: Uncertain significance. Last evaluated: 2021-10-25. Review status: criteria provided, single submitter. Criteria: GeneDx Variant Classification Process June 2021. Collection method: clinical testing. Allele origin: germline. Affected: yes.
Comment: Not observed at significant frequency in large population cohorts (Lek et al., 2016); In silico analysis supports that this missense variant has a deleterious effect on protein structure/function; Has not been previously published as pathogenic or benign to our knowledge; This variant is associated with the following publications: (PMID: 19609323, 20871615, 24485656)

Women's Health and Genetics/Laboratory Corporation of America, LabCorp
Classification: Uncertain significance. Last evaluated: 2020-01-14. Review status: criteria provided, single submitter. Criteria: LabCorp Variant Classification Summary - May 2015. Collection method: clinical testing. Allele origin: germline.
Comment: Variant summary: PALB2 c.2788A>T (p.Asn930Tyr) results in a non-conservative amino acid change located in the Partner and localiser of BRCA2, WD40 domain of the encoded protein sequence. Four of five in-silico tools predict a damaging effect of the variant on protein function. The variant was absent in 250746 control chromosomes. The available data on variant occurrences in the general population are insufficient to allow any conclusion about variant significance. To our knowledge, no occurrence of c.2788A>T in individuals affected with Breast Cancer and no experimental evidence demonstrating its impact on protein function have been reported. Three clinical diagnostic laboratories have submitted clinical-significance assessments for this variant to ClinVar after 2014 without evidence for independent evaluation. All laboratories classified the variant as uncertain significance. Based on the evidence outlined above, the variant was classified as uncertain significance.

NM_024675.4(PALB2):c.2788A>T (p.Asn930Tyr)

Gene: PALB2 (partner and localizer of BRCA2; minus strand). Cytogenetic location: 16p12.2.
Variant type: single nucleotide variant.
Coding change: c.2788A>T on transcript NM_024675.4 (MANE Select); coding-DNA position 2788, A replaced by T.
Protein change: p.Asn930Tyr; replaces asparagine 930 with tyrosine.
Molecular consequence: missense variant.
Genome position (GRCh38, 1-based): chr16:23,624,055, T>A on the plus strand (A>T on the coding strand, the complement: PALB2 is on the minus strand). VCF-style: chr16-23624055-T-A. GRCh37 (hg19) VCF-style: chr16-23635376-T-A.
Other names: short protein forms N930Y.
Identifiers: ClinVar variation 460960 (VCV000460960.31), dbSNP rs1227325413, ClinGen allele CA395145057.
Genomic context (GRCh38, chr16:23,624,055, plus strand): 5'-TGGGAATTACATACCTGATCTCTCTGATTTCCAAATTTCCCAAAGCTACACACACGAGAT[T>A]ATACACATCAGGCACTGGAACTATCTGTAATACTGGAACCTAAATAAAACAAAGCAGCCA-3'
Protein context (NP_078951.2, residues 920-940): LQIVPVPDVY[Asn930Tyr]LVCVALGNLE